The following is an entry in ClinVar:

NM_015046.7(SETX):c.3938A>G (p.His1313Arg)

Gene: SETX (senataxin; minus strand). Cytogenetic location: 9q34.13.
Variant type: single nucleotide variant.
Coding change: c.3938A>G on transcript NM_015046.7 (MANE Select); coding-DNA position 3938, A replaced by G.
Protein change: p.His1313Arg; replaces histidine 1313 with arginine.
Molecular consequence: missense variant.
Genome position (GRCh38, 1-based): chr9:132,327,660, T>C on the plus strand (A>G on the coding strand, the complement: SETX is on the minus strand). VCF-style: chr9-132327660-T-C. GRCh37 (hg19) VCF-style: chr9-135203047-T-C.
Other names: c.3938A>G, p.His1313Arg (NM_001351527.2, NM_001351528.2); short protein forms H1313R.
Identifiers: ClinVar variation 5040419 (VCV005040419.1).
Genomic context (GRCh38, chr9:132,327,660, plus strand): 5'-TTCTGAGGAGAAATTAATTTAGTCTTTTTTCGGGTATCAACTACTCCAACAGTTTTGCCA[T>C]GATCACGTAATTGAGCTACATAATCCAAAGACCGCTGGGACAACTCATATGCCTTACGAG-3'
Protein context (NP_055861.3, residues 1303-1323): SLDYVAQLRD[His1313Arg]GKTVGVVDTR

ClinVar aggregate classification (germline): Uncertain significance (1 of 4 stars; one submission).

gnomAD v4.1: 1 of 1,613,878 alleles (0.000062%); highest among the groups gnomAD compares: East Asian, 0.0022%; no homozygotes.

Submission:

CeGaT Center for Human Genetics Tuebingen
Classification: Uncertain significance. Last evaluated: 2026-08-01. Review status: criteria provided, single submitter. Criteria: CeGaT Center For Human Genetics Tuebingen Variant Classification Criteria Version 2. Collection method: clinical testing. Allele origin: germline. Affected: yes. Observed: 1 variant allele.
Comment: SETX: PM2